The following is an entry in ClinVar:

NM_000719.7(CACNA1C):c.1516T>G (p.Trp506Gly)

Gene: CACNA1C (calcium voltage-gated channel subunit alpha1 C; plus strand). Cytogenetic location: 12p13.33.
Variant type: single nucleotide variant.
Coding change: c.1516T>G on transcript NM_000719.7 (MANE Select); coding-DNA position 1516, T replaced by G.
Protein change: p.Trp506Gly; replaces tryptophan 506 with glycine.
Molecular consequence: missense variant.
Genome position (GRCh38, 1-based): chr12:2,566,429, T>G. VCF-style: chr12-2566429-T-G. GRCh37 (hg19) VCF-style: chr12-2675595-T-G.
Other names: c.1516T>G, p.Trp506Gly (NM_001129827.2, NM_001129829.2, NM_001129830.3 and 18 more transcripts); c.1507T>G, p.Trp503Gly (NM_001129844.2); short protein forms W503G, W506G.
Identifiers: ClinVar variation 1020608 (VCV001020608.19), dbSNP rs975289385, ClinGen allele CA231613982.

ClinVar aggregate classification (germline): Uncertain significance. Review status: criteria provided, multiple submitters, no conflicts (2 of 4 stars). 5 submissions from 5 submitters: Uncertain significance (3). 2 of the submissions do not count toward it. Last evaluated 2026-03-19.

Conditions:
Cardiovascular phenotype. Identifiers: MedGen CN230736.
Long QT syndrome (LQTS). Identifiers: MedGen C0023976, MeSH D008133, MONDO:0002442. Disease mechanism: loss of function. Inheritance: Various modes of inheritance.
CACNA1C-related disorder. Also called: CACNA1C-related condition; CACNA1C-related disorders. Identifiers: MedGen CN381092, MONDO:0700321.

Allele frequency attached by ClinVar (database versions not stated): gnomAD exomes below 0.00001 and 0.00001; gnomAD 0.00001; TOPMed 0.00005.
gnomAD v4.1: 4 of 1,592,732 alleles (0.00025%); highest among the groups gnomAD compares: African/African-American, 0.0054%; no homozygotes.

Submissions (5):

Ambry Genetics
Classification: Uncertain significance for Cardiovascular phenotype. Last evaluated: 2026-03-19. Review status: criteria provided, single submitter. Criteria: Ambry Variant Classification Scheme 2023. Collection method: clinical testing. Allele origin: germline.
Comment: The c.1516T>G (p.W506G) alteration is located in exon 12 (coding exon 12) of the CACNA1C gene. This alteration results from a T to G substitution at nucleotide position 1516, causing the tryptophan (W) at amino acid position 506 to be replaced by a glycine (G). Based on data from gnomAD, the G allele has an overall frequency of 0.001% (3/248490) total alleles studied. The highest observed frequency was 0.009% (2/21632) of African alleles. Based on insufficient or conflicting evidence, the clinical significance of this alteration remains unclear.

Labcorp Genetics (formerly Invitae), Labcorp
Classification: Uncertain significance for Long QT syndrome. Last evaluated: 2025-09-03. Review status: criteria provided, single submitter. Criteria: Invitae Variant Classification Sherloc (09022015). Collection method: clinical testing. Allele origin: germline.
Comment: This sequence change replaces tryptophan, which is neutral and slightly polar, with glycine, which is neutral and non-polar, at codon 506 of the CACNA1C protein (p.Trp506Gly). This variant is present in population databases (no rsID available, gnomAD 0.009%). This variant has not been reported in the literature in individuals affected with CACNA1C-related conditions. ClinVar contains an entry for this variant (Variation ID: 1020608). Invitae Evidence Modeling of protein sequence and biophysical properties (such as structural, functional, and spatial information, amino acid conservation, physicochemical variation, residue mobility, and thermodynamic stability) has been performed for this missense variant. However, the output from this modeling did not meet the statistical confidence thresholds required to predict the impact of this variant on CACNA1C protein function. In summary, the available evidence is currently insufficient to determine the role of this variant in disease. Therefore, it has been classified as a Variant of Uncertain Significance.

GeneDx
Classification: Uncertain significance. Last evaluated: 2019-12-12. Review status: criteria provided, single submitter. Criteria: GeneDx Variant Classification Process June 2021. Collection method: clinical testing. Allele origin: germline. Affected: yes.
Comment: Has not been previously published as pathogenic or benign to our knowledge; Not observed at a significant frequency in large population cohorts (Lek et al., 2016); In silico analysis, which includes protein predictors and evolutionary conservation, supports a deleterious effect

PreventionGenetics, part of Exact Sciences
Classification: Uncertain significance for CACNA1C-related condition. Last evaluated: 2023-12-18. Review status: no assertion criteria provided. Collection method: clinical testing. Allele origin: germline. Not counted in ClinVar's aggregate classification.
Comment: The CACNA1C c.1516T>G variant is predicted to result in the amino acid substitution p.Trp506Gly. To our knowledge, this variant has not been reported in the literature. This variant is reported in 0.0092% of alleles in individuals of African descent in gnomAD. At this time, the clinical significance of this variant is uncertain due to the absence of conclusive functional and genetic evidence.

Department of Pathology and Laboratory Medicine, Sinai Health System
Classification: Uncertain significance. Review status: no assertion criteria provided. Collection method: clinical testing. Allele origin: unknown. Affected: yes. Study: The Canadian Open Genetics Repository (COGR). Not counted in ClinVar's aggregate classification.
Comment: The CACNA1C p.Trp506Gly variant was not identified in the literature nor was it identified in ClinVar, Cosmic or LOVD 3.0. The variant was identified in dbSNP (ID: rs975289385) and was found in control databases in 3 of 248490 chromosomes at a frequency of 0.000012 (Genome Aggregation Database Feb 27, 2017). The variant was observed in the following populations: African in 2 of 21632 chromosomes (freq: 0.000092) and Latino in 1 of 32164 chromosomes (freq: 0.000031), while the variant was not observed in the Ashkenazi Jewish, East Asian, European (Finnish), European (non-Finnish), Other or South Asian populations. The variant occurs outside of the splicing consensus sequence and in silico or computational prediction software programs (SpliceSiteFinder, MaxEntScan, NNSPLICE, GeneSplicer) do not predict a difference in splicing. The p.Trp506 residue is conserved in mammals and computational analyses (PolyPhen-2, SIFT, AlignGVGD, BLOSUM, MutationTaster) provide inconsistent predictions regarding the impact to the protein; this information is not very predictive of pathogenicity. In summary, based on the above information the clinical significance of this variant cannot be determined with certainty at this time. This variant is classified as a variant of uncertain significance.